The following is an entry in ClinVar:

ClinVar aggregate classification (germline): Uncertain significance (1 of 4 stars; one submission).

Allele frequency attached by ClinVar (database versions not stated): TOPMed 0.00001.
gnomAD v4.1: 16 of 1,614,004 alleles (0.00099%); highest among the groups gnomAD compares: African/African-American, 0.004%; no homozygotes.

Submission:

GeneDx
Classification: Uncertain significance. Last evaluated: 2019-05-03. Review status: criteria provided, single submitter. Criteria: GeneDx Variant Classification Process June 2021. Collection method: clinical testing. Allele origin: germline. Affected: yes.
Comment: Has not been previously published as pathogenic or benign to our knowledge; Not observed in large population cohorts (Lek et al., 2016); In silico analysis, which includes protein predictors and evolutionary conservation, supports that this variant does not alter protein structure/function

NM_000078.3(CETP):c.1294G>A (p.Ala432Thr)

Gene: CETP (cholesteryl ester transfer protein; plus strand). Cytogenetic location: 16q13.
Variant type: single nucleotide variant.
Coding change: c.1294G>A on transcript NM_000078.3 (MANE Select); coding-DNA position 1294, G replaced by A.
Protein change: p.Ala432Thr; replaces alanine 432 with threonine.
Molecular consequence: missense variant.
Genome position (GRCh38, 1-based): chr16:56,982,210, G>A. VCF-style: chr16-56982210-G-A. GRCh37 (hg19) VCF-style: chr16-57016122-G-A.
Other names: c.1114G>A, p.Ala372Thr (NM_001286085.2); short protein forms A372T, A432T.
Identifiers: ClinVar variation 1305650 (VCV001305650.2), dbSNP rs2056193601, ClinGen allele CA396007684.